The following is an entry in ClinVar:

NM_004281.4(BAG3):c.477_479dup (p.Ala160_Gln161insAla)

Gene: BAG3 (BAG cochaperone 3; plus strand). Cytogenetic location: 10q26.11.
Variant type: Duplication.
Coding change: c.477_479dup on transcript NM_004281.4 (MANE Select); coding-DNA positions 477 to 479, 3 bases duplicated (AGC; older notation c.477_479dupAGC).
Protein change: p.Ala160_Gln161insAla.
Molecular consequence: inframe insertion.
Genome position (GRCh38, 1-based): chr10:119,670,147-119,670,149, AGC duplicated; duplicating any 3 consecutive bases within chr10:119,670,145-119,670,149 gives the same sequence; the c. name uses the placement nearest the transcript's 3' end. VCF-style (leftmost placement, unchanged base first): chr10-119670144-G-GGCA. GRCh37 (hg19) VCF-style: chr10-121429656-G-GGCA.
Identifiers: ClinVar variation 2013927 (VCV002013927.4), dbSNP rs796945724, ClinGen allele CA214220180.

ClinVar aggregate classification (germline): Uncertain significance (1 of 4 stars; one submission).

Conditions:
Myofibrillar myopathy 6. Identifiers: Orphanet 199340, MedGen C2751831, MONDO:0013061, OMIM 612954.
Dilated cardiomyopathy 1HH (CMD1HH). Identifiers: Orphanet 154, MedGen C3151293, MONDO:0013479, OMIM 613881.

Submission:

Labcorp Genetics (formerly Invitae), Labcorp
Classification: Uncertain significance for Dilated cardiomyopathy 1HH; Myofibrillar myopathy 6. Last evaluated: 2022-07-04. Review status: criteria provided, single submitter. Criteria: Invitae Variant Classification Sherloc (09022015). Collection method: clinical testing. Allele origin: germline.
Comment: In summary, the available evidence is currently insufficient to determine the role of this variant in disease. Therefore, it has been classified as a Variant of Uncertain Significance. Experimental studies and prediction algorithms are not available or were not evaluated, and the functional significance of this variant is currently unknown. This variant has not been reported in the literature in individuals affected with BAG3-related conditions. This variant is not present in population databases (gnomAD no frequency). This variant, c.477_479dup, results in the insertion of 1 amino acid(s) of the BAG3 protein (p.Ala160dup), but otherwise preserves the integrity of the reading frame.